The following is an entry in ClinVar:

NM_000352.6(ABCC8):c.688T>C (p.Tyr230His)

Gene: ABCC8 (ATP binding cassette subfamily C member 8; minus strand). Cytogenetic location: 11p15.1.
Variant type: single nucleotide variant.
Coding change: c.688T>C on transcript NM_000352.6 (MANE Select); coding-DNA position 688, T replaced by C.
Protein change: p.Tyr230His; replaces tyrosine 230 with histidine.
Molecular consequence: missense variant. On other transcripts: non-coding transcript variant (1).
Genome position (GRCh38, 1-based): chr11:17,461,717, A>G on the plus strand (T>C on the coding strand, the complement: ABCC8 is on the minus strand). VCF-style: chr11-17461717-A-G. GRCh37 (hg19) VCF-style: chr11-17483264-A-G.
Other names: c.688T>C, p.Tyr230His (NM_001287174.3, NM_001351295.2, NM_001351296.2 and 1 more transcripts); short protein forms Y230H.
Identifiers: ClinVar variation 4697981 (VCV004697981.1).

ClinVar aggregate classification (germline): Uncertain significance (1 of 4 stars; one submission).

Submission:

Labcorp Genetics (formerly Invitae), Labcorp
Classification: Uncertain significance. Last evaluated: 2026-01-27. Review status: criteria provided, single submitter. Criteria: Invitae Variant Classification Sherloc (09022015). Collection method: clinical testing. Allele origin: germline.
Comment: This sequence change replaces tyrosine, which is neutral and polar, with histidine, which is basic and polar, at codon 230 of the ABCC8 protein (p.Tyr230His). This variant is not present in population databases (gnomAD no frequency). This variant has not been reported in the literature in individuals affected with ABCC8-related conditions. Invitae Evidence Modeling of protein sequence and biophysical properties (such as structural, functional, and spatial information, amino acid conservation, physicochemical variation, residue mobility, and thermodynamic stability) indicates that this missense variant is expected to disrupt ABCC8 protein function with a positive predictive value of 95%. In summary, the available evidence is currently insufficient to determine the role of this variant in disease. Therefore, it has been classified as a Variant of Uncertain Significance.